The following is an entry in ClinVar:

NM_003070.5(SMARCA2):c.3982-3795G>A

Gene: SMARCA2 (SWI/SNF related BAF chromatin remodeling complex subunit ATPase 2; plus strand). Cytogenetic location: 9p24.3.
Variant type: single nucleotide variant.
Coding change: c.3982-3795G>A on transcript NM_003070.5 (MANE Select); 3795 bases into the intron before coding-DNA position 3982, G replaced by A.
Molecular consequence: intron variant. On other transcripts: splice donor variant (1).
Genome position (GRCh38, 1-based): chr9:2,157,891, G>A. VCF-style: chr9-2157891-G-A. GRCh37 (hg19) VCF-style: chr9-2157891-G-A.
Other names: c.3982-3795G>A (NM_139045.4, NM_001289396.2); c.3808-3795G>A (NM_001289397.2); c.9+1G>A (NM_001289398.2).
Identifiers: ClinVar variation 2636947 (VCV002636947.1), dbSNP rs1586767131, ClinGen allele CA372785674.

ClinVar aggregate classification (germline): Uncertain significance (1 of 4 stars; one submission).

Conditions:
SMARCA2-related disorder. Also called: SMARCA2-related condition.

Allele frequency attached by ClinVar (database versions not stated): gnomAD 0.00001.
gnomAD v4.1: 1 of 398,422 alleles (0.00025%); highest among the groups gnomAD compares: African/African-American, 0.0021%; no homozygotes.

Submission:

PreventionGenetics, part of Exact Sciences
Classification: Uncertain significance for SMARCA2-related condition. Last evaluated: 2022-10-03. Review status: criteria provided, single submitter. Criteria: ACMG Guidelines, 2015. Collection method: clinical testing. Allele origin: germline.
Comment: The SMARCA2 c.9+1G>A variant is predicted to disrupt the GT donor site and interfere with normal splicing. This variant is predicted to disrupt the GT donor site and interfere with normal splicing (Alamut Visual v2.11). However, in the primary transcript (NM_003070.4), this variant is deep intronic (c.3982-3795G>A). To our knowledge, this variant has not been reported in the literature or in a large population database, indicating this variant is rare. At this time, the clinical significance of this variant is uncertain due to the absence of conclusive functional and genetic evidence.